The following is an entry in ClinVar:

NM_014251.3(SLC25A13):c.1374G>A (p.Val458=)

Gene: SLC25A13 (solute carrier family 25 member 13; minus strand). Cytogenetic location: 7q21.3.
Variant type: single nucleotide variant.
Coding change: c.1374G>A on transcript NM_014251.3 (MANE Select); coding-DNA position 1374, G replaced by A.
Protein change: p.Val458=; no amino-acid change (valine 458 retained).
Molecular consequence: synonymous variant. On other transcripts: non-coding transcript variant (1).
Genome position (GRCh38, 1-based): chr7:96,146,634, C>T on the plus strand (G>A on the coding strand, the complement: SLC25A13 is on the minus strand). VCF-style: chr7-96146634-C-T. GRCh37 (hg19) VCF-style: chr7-95775946-C-T.
Other names: p.Val458=; c.1377G>A, p.Val459= (NM_001160210.2).
Identifiers: ClinVar variation 697987 (VCV000697987.18), dbSNP rs115266882, ClinGen allele CA4352946.

ClinVar aggregate classification (germline): Benign. Review status: criteria provided, multiple submitters, no conflicts (2 of 4 stars). 6 submissions from 6 submitters: Benign (5). 1 of the submissions does not count toward it. Last evaluated 2026-02-02.

Conditions:
Citrin deficiency. Identifiers: Orphanet 247582, MedGen C1997910, MONDO:0016602.
Citrullinemia type II. Also called: Citrullinemia Type II (CTLN2). Identifiers: Orphanet 247585, MedGen C1863844, MONDO:0016603.
Adult-onset citrullinemia type I. Also called: Late-onset citrullinemia. Identifiers: Orphanet 247573, MedGen C0268546, MONDO:0016601.

Allele frequency attached by ClinVar (database versions not stated): gnomAD exomes 0.00056 and 0.00140; ExAC 0.00203; gnomAD 0.00567 and 0.00605; TOPMed 0.00603; ESP Exome Variant Server 0.00654; 1000 Genomes Project 30x 0.00656; 1000 Genomes Project 0.00759.
gnomAD v4.1: 1,729 of 1,613,996 alleles (0.11%); highest among the groups gnomAD compares: African/African-American, 2%; 22 homozygotes.

Submissions (6):

Labcorp Genetics (formerly Invitae), Labcorp
Classification: Benign for Citrin deficiency. Last evaluated: 2026-02-02. Review status: criteria provided, single submitter. Criteria: Invitae Variant Classification Sherloc (09022015). Collection method: clinical testing. Allele origin: germline.

Mayo Clinic Laboratories, Mayo Clinic
Classification: Benign. Last evaluated: 2025-08-13. Review status: criteria provided, single submitter. Criteria: ACMG Guidelines, 2015. Collection method: clinical testing. Allele origin: germline. Observed: 5 variant alleles.
Comment: BA1, BP4, BP7

GeneDx
Classification: Benign. Last evaluated: 2019-01-31. Review status: criteria provided, single submitter. Criteria: GeneDx Variant Classification Process June 2021. Collection method: clinical testing. Allele origin: germline. Affected: yes.

Illumina Laboratory Services, Illumina
Classification: Benign for Citrullinemia, type II, adult-onset. Last evaluated: 2018-01-13. Review status: criteria provided, single submitter. Criteria: ICSL Variant Classification Criteria 13 December 2019. Collection method: clinical testing. Allele origin: germline.
Comment: This variant was observed in the ICSL laboratory as part of a predisposition screen in an ostensibly healthy population. It had not been previously curated by ICSL or reported in the Human Gene Mutation Database (HGMD: prior to June 1st, 2018), and was therefore a candidate for classification through an automated scoring system. Utilizing variant allele frequency, disease prevalence and penetrance estimates, and inheritance mode, an automated score was calculated to assess if this variant is too frequent to cause the disease. Based on the score and internal cut-off values, a variant classified as benign is not then subjected to further curation. The score for this variant resulted in a classification of benign for this disease.

Breakthrough Genomics
Classification: Benign. Review status: criteria provided, single submitter. Criteria: ACMG Guidelines, 2015. Collection method: not provided. Allele origin: germline. Inheritance: Autosomal recessive inheritance. Affected: yes.

Natera, Inc.
Classification: Benign for Late-onset citrullinemia. Last evaluated: 2020-09-16. Review status: no assertion criteria provided. Collection method: clinical testing. Allele origin: germline. Not counted in ClinVar's aggregate classification.